The following is an entry in ClinVar:

NM_015001.3(SPEN):c.6364G>T (p.Glu2122Ter)

Gene: SPEN (spen family transcriptional repressor; plus strand). Cytogenetic location: 1p36.13.
Variant type: single nucleotide variant.
Coding change: c.6364G>T on transcript NM_015001.3 (MANE Select); coding-DNA position 6364, G replaced by T.
Protein change: p.Glu2122Ter; replaces glutamic acid 2122 with a stop codon.
Molecular consequence: nonsense.
Genome position (GRCh38, 1-based): chr1:15,932,604, G>T. VCF-style: chr1-15932604-G-T. GRCh37 (hg19) VCF-style: chr1-16259099-G-T.
Other names: short protein forms E2122*.
Identifiers: ClinVar variation 1223225 (VCV001223225.6), dbSNP rs2148741116, ClinGen allele CA338634349.

ClinVar aggregate classification (germline): Pathogenic (1 of 4 stars; one submission).

Submission:

GeneDx
Classification: Pathogenic. Last evaluated: 2025-01-23. Review status: criteria provided, single submitter. Criteria: GeneDx Variant Classification Process June 2021. Collection method: clinical testing. Allele origin: germline. Affected: yes.
Comment: Not observed at significant frequency in large population cohorts (gnomAD); Has not been previously published as pathogenic or benign to our knowledge; Nonsense variant predicted to result in protein truncation or nonsense mediated decay in a gene for which loss of function is a known mechanism of disease